The following is an entry in ClinVar:

NM_000053.4(ATP7B):c.62A>T (p.Lys21Met)

Gene: ATP7B (ATPase copper transporting beta; minus strand). Cytogenetic location: 13q14.3.
Variant type: single nucleotide variant.
Coding change: c.62A>T on transcript NM_000053.4 (MANE Select); coding-DNA position 62, A replaced by T.
Protein change: p.Lys21Met; replaces lysine 21 with methionine.
Molecular consequence: missense variant.
Genome position (GRCh38, 1-based): chr13:51,975,158, T>A on the plus strand (A>T on the coding strand, the complement: ATP7B is on the minus strand). VCF-style: chr13-51975158-T-A. GRCh37 (hg19) VCF-style: chr13-52549294-T-A.
Other names: c.62A>T, p.Lys21Met (NM_001005918.3, NM_001243182.2, NM_001330578.2 and 30 more transcripts); c.-35A>T (NM_001406517.1, NM_001406518.1, NM_001406530.1 and 4 more transcripts); c.62A>T (NM_000053.3); short protein forms K21M.
Identifiers: ClinVar variation 2081912 (VCV002081912.4), dbSNP rs199514391, ClinGen allele CA6989623.

ClinVar aggregate classification (germline): Conflicting classifications of pathogenicity. Review status: criteria provided, conflicting classifications (1 of 4 stars). 4 submissions from 4 submitters: Uncertain significance (3); Likely benign (1). Last evaluated 2024-12-28.

Conditions:
Inborn genetic diseases. Identifiers: MedGen C0950123, MeSH D030342.
Wilson disease (WND). Also called: Wilson's disease. Identifiers: Orphanet 905, MedGen C0019202, MONDO:0010200, OMIM 277900. Disease mechanism: loss of function.

Allele frequency attached by ClinVar (database versions not stated): 1000 Genomes Project 30x 0.00016.

Submissions (4):

Ambry Genetics
Classification: Uncertain significance for Inborn genetic diseases. Last evaluated: 2024-12-28. Review status: criteria provided, single submitter. Criteria: Ambry Variant Classification Scheme 2023. Collection method: clinical testing. Allele origin: germline.
Comment: The p.K21M variant (also known as c.62A>T), located in coding exon 2 of the ATP7B gene, results from an A to T substitution at nucleotide position 62. The lysine at codon 21 is replaced by methionine, an amino acid with similar properties. This amino acid position is conserved. In addition, the in silico prediction for this alteration is inconclusive. Based on the available evidence, the clinical significance of this variant remains unclear.

GeneDx
Classification: Uncertain significance. Last evaluated: 2024-05-03. Review status: criteria provided, single submitter. Criteria: GeneDx Variant Classification Process June 2021. Collection method: clinical testing. Allele origin: germline. Affected: yes.
Comment: In silico analysis indicates that this missense variant does not alter protein structure/function; Has not been previously published as pathogenic or benign to our knowledge

Fulgent Genetics
Classification: Likely benign for Wilson disease. Last evaluated: 2024-05-02. Review status: criteria provided, single submitter. Criteria: ACMG Guidelines, 2015. Collection method: clinical testing. Allele origin: germline.

Labcorp Genetics (formerly Invitae), Labcorp
Classification: Uncertain significance for Wilson disease. Last evaluated: 2022-10-23. Review status: criteria provided, single submitter. Criteria: Invitae Variant Classification Sherloc (09022015). Collection method: clinical testing. Allele origin: germline.
Comment: This sequence change replaces lysine, which is basic and polar, with methionine, which is neutral and non-polar, at codon 21 of the ATP7B protein (p.Lys21Met). This variant is present in population databases (rs199514391, gnomAD 0.04%). This variant has not been reported in the literature in individuals affected with ATP7B-related conditions. Advanced modeling of protein sequence and biophysical properties (such as structural, functional, and spatial information, amino acid conservation, physicochemical variation, residue mobility, and thermodynamic stability) has been performed at Invitae for this missense variant, however the output from this modeling did not meet the statistical confidence thresholds required to predict the impact of this variant on ATP7B protein function. In summary, the available evidence is currently insufficient to determine the role of this variant in disease. Therefore, it has been classified as a Variant of Uncertain Significance.